The following is an entry in ClinVar:

ClinVar aggregate classification (germline): Conflicting classifications of pathogenicity. Review status: criteria provided, conflicting classifications (1 of 4 stars). 3 submissions from 3 submitters: Uncertain significance (2); Likely benign (1). Last evaluated 2025-11-20.

Conditions:
NEFH-related disorder. Also called: NEFH-related condition.
Inborn genetic diseases. Identifiers: MedGen C0950123, MeSH D030342.

Allele frequency attached by ClinVar (database versions not stated): gnomAD exomes 0.00001; ExAC 0.00003; gnomAD 0.00003; TOPMed 0.00005; ESP Exome Variant Server 0.00008.

Submissions (3):

PreventionGenetics, part of Exact Sciences
Classification: Uncertain significance for NEFH-related condition. Last evaluated: 2025-11-20. Review status: criteria provided, single submitter. Criteria: ACMG Guidelines, 2015. Collection method: clinical testing. Allele origin: germline.
Comment: The NEFH c.3049G>A variant is predicted to result in the amino acid substitution p.Ala1017Thr. To our knowledge, this variant has not been reported in the literature. This variant is reported in 0.012% of alleles in individuals of African descent in gnomAD. At this time, the clinical significance of this variant is uncertain due to the absence of conclusive functional and genetic evidence.

Labcorp Genetics (formerly Invitae), Labcorp
Classification: Uncertain significance. Last evaluated: 2024-10-01. Review status: criteria provided, single submitter. Criteria: Invitae Variant Classification Sherloc (09022015). Collection method: clinical testing. Allele origin: germline.
Comment: This sequence change replaces alanine, which is neutral and non-polar, with threonine, which is neutral and polar, at codon 1017 of the NEFH protein (p.Ala1017Thr). This variant is present in population databases (rs372541633, gnomAD 0.01%). This variant has not been reported in the literature in individuals affected with NEFH-related conditions. ClinVar contains an entry for this variant (Variation ID: 1799218). Invitae Evidence Modeling of protein sequence and biophysical properties (such as structural, functional, and spatial information, amino acid conservation, physicochemical variation, residue mobility, and thermodynamic stability) indicates that this missense variant is not expected to disrupt NEFH protein function with a negative predictive value of 95%. In summary, the available evidence is currently insufficient to determine the role of this variant in disease. Therefore, it has been classified as a Variant of Uncertain Significance.

Ambry Genetics
Classification: Likely benign for Inborn genetic diseases. Last evaluated: 2021-06-10. Review status: criteria provided, single submitter. Criteria: Ambry Variant Classification Scheme 2023. Collection method: clinical testing. Allele origin: germline.

NM_021076.4(NEFH):c.3049G>A (p.Ala1017Thr)

Gene: NEFH (neurofilament heavy chain; plus strand). Cytogenetic location: 22q12.2.
Variant type: single nucleotide variant.
Coding change: c.3049G>A on transcript NM_021076.4 (MANE Select); coding-DNA position 3049, G replaced by A.
Protein change: p.Ala1017Thr; replaces alanine 1017 with threonine.
Molecular consequence: missense variant.
Genome position (GRCh38, 1-based): chr22:29,490,689, G>A. VCF-style: chr22-29490689-G-A. GRCh37 (hg19) VCF-style: chr22-29886678-G-A.
Other names: short protein forms A1017T.
Identifiers: ClinVar variation 1799218 (VCV001799218.8), dbSNP rs372541633, ClinGen allele CA10174522.